The following is an entry in ClinVar:

ClinVar aggregate classification (germline): Uncertain significance. Review status: criteria provided, multiple submitters, no conflicts (2 of 4 stars). 2 submissions from 2 submitters: Uncertain significance (2). Last evaluated 2025-11-03.

Allele frequency attached by ClinVar (database versions not stated): gnomAD 0.00009 and 0.00010; gnomAD exomes 0.00009; TOPMed 0.00009; ExAC 0.00013; ESP Exome Variant Server 0.00023.
gnomAD v4.1: 187 of 1,613,124 alleles (0.012%); highest among the groups gnomAD compares: Middle Eastern, 0.15%; 1 homozygote.

Submissions (2):

Labcorp Genetics (formerly Invitae), Labcorp
Classification: Uncertain significance. Last evaluated: 2025-11-03. Review status: criteria provided, single submitter. Criteria: Invitae Variant Classification Sherloc (09022015). Collection method: clinical testing. Allele origin: germline.
Comment: This sequence change replaces asparagine, which is neutral and polar, with serine, which is neutral and polar, at codon 219 of the IGSF10 protein (p.Asn219Ser). This variant is present in population databases (rs149364604, gnomAD 0.02%). This variant has not been reported in the literature in individuals affected with IGSF10-related conditions. ClinVar contains an entry for this variant (Variation ID: 1398621). An algorithm developed to predict the effect of missense changes on protein structure and function (PolyPhen-2) suggests that this variant is likely to be disruptive. In summary, the available evidence is currently insufficient to determine the role of this variant in disease. Therefore, it has been classified as a Variant of Uncertain Significance.

CeGaT Center for Human Genetics Tuebingen
Classification: Uncertain significance. Last evaluated: 2025-10-01. Review status: criteria provided, single submitter. Criteria: CeGaT Center For Human Genetics Tuebingen Variant Classification Criteria Version 2. Collection method: clinical testing. Allele origin: germline. Affected: yes. Observed: 1 variant allele.

NM_178822.5(IGSF10):c.656A>G (p.Asn219Ser)

Gene: IGSF10 (immunoglobulin superfamily member 10; minus strand). Cytogenetic location: 3q25.1.
Variant type: single nucleotide variant.
Coding change: c.656A>G on transcript NM_178822.5 (MANE Select); coding-DNA position 656, A replaced by G.
Protein change: p.Asn219Ser; replaces asparagine 219 with serine.
Molecular consequence: missense variant.
Genome position (GRCh38, 1-based): chr3:151,453,443, T>C on the plus strand (A>G on the coding strand, the complement: IGSF10 is on the minus strand). VCF-style: chr3-151453443-T-C. GRCh37 (hg19) VCF-style: chr3-151171231-T-C.
Other names: c.656A>G, p.Asn219Ser (NM_001385060.1, NM_001385061.1, NM_001385062.1 and 1 more transcripts); short protein forms N219S.
Identifiers: ClinVar variation 1398621 (VCV001398621.12), dbSNP rs149364604, ClinGen allele CA2670717.
Genomic context (GRCh38, chr3:151,453,443, plus strand): 5'-CCTGGCTTCTCCTGTATCCAGTCAGACAACCACTTTAAATGGCAATCACAGGTCCATGGG[T>C]TTCCATGCAGGTAAAGGCTGTCTAGGTCAGGCATATAGGAGACCATCTCTTGAGGGAGGG-3'
Protein context (NP_849144.2, residues 209-229): PDLDSLYLHG[Asn219Ser]PWTCDCHLKW